The following is an entry in ClinVar:

ClinVar aggregate classification (germline): Uncertain significance (1 of 4 stars; one submission).

Allele frequency attached by ClinVar (database versions not stated): TOPMed 0.00011; ESP Exome Variant Server 0.00035.
gnomAD v4.1: 59 of 765,188 alleles (0.0077%); highest among the groups gnomAD compares: East Asian, 0.024%; no homozygotes.

Submission:

Labcorp Genetics (formerly Invitae), Labcorp
Classification: Uncertain significance. Last evaluated: 2023-12-06. Review status: criteria provided, single submitter. Criteria: Invitae Variant Classification Sherloc (09022015). Collection method: clinical testing. Allele origin: germline.
Comment: This variant occurs in the SNORD118 gene, which encodes an RNA molecule that does not result in a protein product. This variant is present in population databases (rs367845024, gnomAD 0.04%). This variant has not been reported in the literature in individuals affected with SNORD118-related conditions. ClinVar contains an entry for this variant (Variation ID: 1462833). Experimental studies and prediction algorithms are not available or were not evaluated, and the functional significance of this variant is currently unknown. In summary, the available evidence is currently insufficient to determine the role of this variant in disease. Therefore, it has been classified as a Variant of Uncertain Significance.

NR_033294.2(SNORD118):n.78C>T

Genes: SNORD118 (small nucleolar RNA, C/D box 118; minus strand), TMEM107 (transmembrane protein 107; minus strand). Cytogenetic location: 17p13.1.
Variant type: single nucleotide variant.
Molecular consequence: non-coding transcript variant (on NR_033294.2). On other transcripts: 3 prime UTR variant (5).
Genome position: GRCh38 VCF-style: chr17-8173511-G-A. GRCh37 (hg19) VCF-style: chr17-8076829-G-A.
Other names: c.*692C>T (NM_001351278.2, NM_001351279.2, NM_001351280.2 and 2 more transcripts).
Identifiers: ClinVar variation 1462833 (VCV001462833.4), dbSNP rs367845024, ClinGen allele CA8370671.